The following is an entry in ClinVar:

NM_005559.4(LAMA1):c.6355G>T (p.Ala2119Ser)

Gene: LAMA1 (laminin subunit alpha 1; minus strand). Cytogenetic location: 18p11.31.
Variant type: single nucleotide variant.
Coding change: c.6355G>T on transcript NM_005559.4 (MANE Select); coding-DNA position 6355, G replaced by T.
Protein change: p.Ala2119Ser; replaces alanine 2119 with serine.
Molecular consequence: missense variant.
Genome position (GRCh38, 1-based): chr18:6,976,071, C>A on the plus strand (G>T on the coding strand, the complement: LAMA1 is on the minus strand). VCF-style: chr18-6976071-C-A. GRCh37 (hg19) VCF-style: chr18-6976070-C-A.
Other names: short protein forms A2119S.
Identifiers: ClinVar variation 1397206 (VCV001397206.7), dbSNP rs141494356, ClinGen allele CA8881264.

ClinVar aggregate classification (germline): Uncertain significance (1 of 4 stars; one submission).

gnomAD v4.1: 49 of 1,613,920 alleles (0.003%); highest among the groups gnomAD compares: Non-Finnish European, 0.0041%; no homozygotes.

Submission:

Labcorp Genetics (formerly Invitae), Labcorp
Classification: Uncertain significance. Last evaluated: 2021-05-24. Review status: criteria provided, single submitter. Criteria: Invitae Variant Classification Sherloc (09022015). Collection method: clinical testing. Allele origin: germline.
Comment: Algorithms developed to predict the effect of missense changes on protein structure and function are either unavailable or do not agree on the potential impact of this missense change (SIFT: "Tolerated"; PolyPhen-2: "Probably Damaging"; Align-GVGD: "Class C0"). This variant has not been reported in the literature in individuals with LAMA1-related conditions. This variant is present in population databases (rs141494356, ExAC 0.009%). This sequence change replaces alanine with serine at codon 2119 of the LAMA1 protein (p.Ala2119Ser). The alanine residue is moderately conserved and there is a moderate physicochemical difference between alanine and serine. In summary, the available evidence is currently insufficient to determine the role of this variant in disease. Therefore, it has been classified as a Variant of Uncertain Significance.